The following is an entry in ClinVar:

ClinVar aggregate classification (germline): Uncertain significance. Review status: criteria provided, multiple submitters, no conflicts (2 of 4 stars). 2 submissions from 2 submitters: Uncertain significance (2). Last evaluated 2024-01-22.

Conditions:
Inborn genetic diseases. Identifiers: MedGen C0950123, MeSH D030342.

Allele frequency attached by ClinVar (database versions not stated): ExAC 0.00003; ESP Exome Variant Server 0.00015.
gnomAD v4.1: 29 of 1,614,034 alleles (0.0018%); highest among the groups gnomAD compares: African/African-American, 0.016%; no homozygotes.

Submissions (2):

Ambry Genetics
Classification: Uncertain significance for Inborn genetic diseases. Last evaluated: 2024-01-22. Review status: criteria provided, single submitter. Criteria: Ambry Variant Classification Scheme 2023. Collection method: clinical testing. Allele origin: germline.

CeGaT Center for Human Genetics Tuebingen
Classification: Uncertain significance. Last evaluated: 2022-03-01. Review status: criteria provided, single submitter. Criteria: CeGaT Center For Human Genetics Tuebingen Variant Classification Criteria Version 2. Collection method: clinical testing. Allele origin: germline. Affected: yes. Observed: 1 variant allele.
Comment: DNAH2: PP3

NM_020877.5(DNAH2):c.11276G>A (p.Arg3759His)

Gene: DNAH2 (dynein axonemal heavy chain 2; plus strand). Cytogenetic location: 17p13.1.
Variant type: single nucleotide variant.
Coding change: c.11276G>A on transcript NM_020877.5 (MANE Select); coding-DNA position 11276, G replaced by A.
Protein change: p.Arg3759His; replaces arginine 3759 with histidine.
Molecular consequence: missense variant.
Genome position (GRCh38, 1-based): chr17:7,823,575, G>A. VCF-style: chr17-7823575-G-A. GRCh37 (hg19) VCF-style: chr17-7726893-G-A.
Other names: c.11276G>A (NM_020877.2); short protein forms R3759H.
Identifiers: ClinVar variation 1675656 (VCV001675656.34), dbSNP rs375926522, ClinGen allele CA8359409.